The following is an entry in ClinVar:

NM_001457.4(FLNB):c.187T>C (p.Tyr63His)

Gene: FLNB (filamin B; plus strand). Cytogenetic location: 3p14.3.
Variant type: single nucleotide variant.
Coding change: c.187T>C on transcript NM_001457.4 (MANE Select); coding-DNA position 187, T replaced by C.
Protein change: p.Tyr63His; replaces tyrosine 63 with histidine.
Molecular consequence: missense variant.
Genome position (GRCh38, 1-based): chr3:58,008,751, T>C. VCF-style: chr3-58008751-T-C. GRCh37 (hg19) VCF-style: chr3-57994478-T-C.
Other names: c.187T>C, p.Tyr63His (NM_001164317.2, NM_001164318.2, NM_001164319.2); short protein forms Y63H.
Identifiers: ClinVar variation 900408 (VCV000900408.9), dbSNP rs1378933541, ClinGen allele CA353413179.

ClinVar aggregate classification (germline): Uncertain significance. Review status: criteria provided, multiple submitters, no conflicts (2 of 4 stars). 2 submissions from 2 submitters: Uncertain significance (2). Last evaluated 2022-10-14.

Conditions:
FLNB-Related Spectrum Disorders.

Allele frequency attached by ClinVar (database versions not stated): TOPMed below 0.00001; gnomAD 0.00001.
gnomAD v4.1: 1 of 1,613,912 alleles (0.000062%); highest among the groups gnomAD compares: Non-Finnish European, 0.000085%; no homozygotes.

Submissions (2):

Labcorp Genetics (formerly Invitae), Labcorp
Classification: Uncertain significance. Last evaluated: 2022-10-14. Review status: criteria provided, single submitter. Criteria: Invitae Variant Classification Sherloc (09022015). Collection method: clinical testing. Allele origin: germline.
Comment: This variant is not present in population databases (gnomAD no frequency). This sequence change replaces tyrosine, which is neutral and polar, with histidine, which is basic and polar, at codon 63 of the FLNB protein (p.Tyr63His). This variant has not been reported in the literature in individuals affected with FLNB-related conditions. In summary, the available evidence is currently insufficient to determine the role of this variant in disease. Therefore, it has been classified as a Variant of Uncertain Significance. Advanced modeling of protein sequence and biophysical properties (such as structural, functional, and spatial information, amino acid conservation, physicochemical variation, residue mobility, and thermodynamic stability) performed at Invitae indicates that this missense variant is not expected to disrupt FLNB protein function. ClinVar contains an entry for this variant (Variation ID: 900408).

Illumina Laboratory Services, Illumina
Classification: Uncertain significance for FLNB-Related Spectrum Disorders. Last evaluated: 2018-04-06. Review status: criteria provided, single submitter. Criteria: ICSL Variant Classification Criteria 13 December 2019. Collection method: clinical testing. Allele origin: germline.